The following is an entry in ClinVar:

NM_000275.3(OCA2):c.2401G>T (p.Gly801Ter)

Gene: OCA2 (OCA2 melanosomal transmembrane protein; minus strand). Cytogenetic location: 15q13.1.
Variant type: single nucleotide variant.
Coding change: c.2401G>T on transcript NM_000275.3 (MANE Select); coding-DNA position 2401, G replaced by T.
Protein change: p.Gly801Ter; replaces glycine 801 with a stop codon.
Molecular consequence: nonsense.
Genome position (GRCh38, 1-based): chr15:27,844,990, C>A on the plus strand (G>T on the coding strand, the complement: OCA2 is on the minus strand). VCF-style: chr15-27844990-C-A. GRCh37 (hg19) VCF-style: chr15-28090136-C-A.
Other names: c.2329G>T, p.Gly777Ter (NM_001300984.2); short protein forms G777*, G801*.
Identifiers: ClinVar variation 2730986 (VCV002730986.4), dbSNP rs2505163641, ClinGen allele CA391358344.

ClinVar aggregate classification (germline): Pathogenic/Likely pathogenic. Review status: criteria provided, multiple submitters, no conflicts (2 of 4 stars). 2 submissions from 2 submitters: Pathogenic (1); Likely pathogenic (1). Last evaluated 2024-01-12.

Conditions:
OCA2-related disorder. Also called: OCA2-related condition.

Allele frequency attached by ClinVar (database versions not stated): gnomAD exomes below 0.00001.
gnomAD v4.1: 1 of 1,613,502 alleles (0.000062%); highest among the groups gnomAD compares: Non-Finnish European, 0.000085%; no homozygotes.

Submissions (2):

Labcorp Genetics (formerly Invitae), Labcorp
Classification: Pathogenic. Last evaluated: 2024-01-12. Review status: criteria provided, single submitter. Criteria: Invitae Variant Classification Sherloc (09022015). Collection method: clinical testing. Allele origin: germline.
Comment: This sequence change creates a premature translational stop signal (p.Gly801*) in the OCA2 gene. While this is not anticipated to result in nonsense mediated decay, it is expected to disrupt the last 38 amino acid(s) of the OCA2 protein. This variant is not present in population databases (gnomAD no frequency). This variant has not been reported in the literature in individuals affected with OCA2-related conditions. This variant disrupts a region of the OCA2 protein in which other variant(s) (p.Tyr827*) have been determined to be pathogenic (PMID: 29345414). This suggests that this is a clinically significant region of the protein, and that variants that disrupt it are likely to be disease-causing. For these reasons, this variant has been classified as Pathogenic.

Blueprint Genetics
Classification: Likely pathogenic for OCA2-related disorders. Last evaluated: 2019-04-02. Review status: criteria provided, single submitter. Criteria: ACMG Guidelines, 2015. Collection method: clinical testing. Allele origin: germline. Affected: yes. Observed: 1 variant allele.

Literature cited by the submitters: PubMed 29345414 (cited by Labcorp Genetics (formerly Invitae), Labcorp).